The following is an entry in ClinVar:

ClinVar aggregate classification (germline): Uncertain significance (1 of 4 stars; one submission).

Allele frequency attached by ClinVar (database versions not stated): gnomAD exomes below 0.00001; TOPMed below 0.00001.
gnomAD v4.1: 1 of 1,613,022 alleles (0.000062%); highest among the groups gnomAD compares: Non-Finnish European, 0.000085%; no homozygotes.

Submission:

Labcorp Genetics (formerly Invitae), Labcorp
Classification: Uncertain significance. Last evaluated: 2022-08-10. Review status: criteria provided, single submitter. Criteria: Invitae Variant Classification Sherloc (09022015). Collection method: clinical testing. Allele origin: germline.
Comment: This variant is not present in population databases (gnomAD no frequency). This sequence change replaces alanine, which is neutral and non-polar, with glycine, which is neutral and non-polar, at codon 5 of the CTNNB1 protein (p.Ala5Gly). This variant has not been reported in the literature in individuals affected with CTNNB1-related conditions. ClinVar contains an entry for this variant (Variation ID: 1522381). Algorithms developed to predict the effect of missense changes on protein structure and function (SIFT, PolyPhen-2, Align-GVGD) all suggest that this variant is likely to be tolerated. Algorithms developed to predict the effect of sequence changes on RNA splicing suggest that this variant may create or strengthen a splice site. In summary, the available evidence is currently insufficient to determine the role of this variant in disease. Therefore, it has been classified as a Variant of Uncertain Significance.

NM_001904.4(CTNNB1):c.14C>G (p.Ala5Gly)

Genes: CTNNB1 (catenin beta 1; plus strand), LOC126806658 (BRD4-independent group 4 enhancer GRCh37_chr3:41265899-41267098; plus strand). Cytogenetic location: 3p22.1.
Variant type: single nucleotide variant.
Coding change: c.14C>G on transcript NM_001904.4 (MANE Select); coding-DNA position 14, C replaced by G.
Protein change: p.Ala5Gly; replaces alanine 5 with glycine.
Molecular consequence: missense variant. On other transcripts: 5 prime UTR variant (1).
Genome position (GRCh38, 1-based): chr3:41,224,526, C>G. VCF-style: chr3-41224526-C-G. GRCh37 (hg19) VCF-style: chr3-41266017-C-G.
Other names: c.14C>G, p.Ala5Gly (NM_001098209.2, NM_001098210.2); c.-8C>G (NM_001330729.2); short protein forms A5G.
Identifiers: ClinVar variation 1522381 (VCV001522381.6), dbSNP rs1448779783, ClinGen allele CA352227952.